The following is an entry in ClinVar:

ClinVar aggregate classification (germline): Uncertain significance (1 of 4 stars; one submission).

Conditions:
Koolen-de Vries syndrome (KDVS). Identifiers: Orphanet 96169, MedGen C1864871, MONDO:0012496, OMIM 610443.

gnomAD v4.1: 1 of 1,614,216 alleles (0.000062%); highest among the groups gnomAD compares: East Asian, 0.0022%; no homozygotes.

Submission:

Labcorp Genetics (formerly Invitae), Labcorp
Classification: Uncertain significance for Koolen-de Vries syndrome. Last evaluated: 2018-05-03. Review status: criteria provided, single submitter. Criteria: Invitae Variant Classification Sherloc (09022015). Collection method: clinical testing. Allele origin: germline.
Comment: In summary, the available evidence is currently insufficient to determine the role of this variant in disease. Therefore, it has been classified as a Variant of Uncertain Significance. Algorithms developed to predict the effect of missense changes on protein structure and function (SIFT, PolyPhen-2, Align-GVGD) all suggest that this variant is likely to be disruptive, but these predictions have not been confirmed by published functional studies and their clinical significance is uncertain. This variant has not been reported in the literature in individuals with KANSL1-related disease. This variant is not present in population databases (ExAC no frequency). This sequence change replaces alanine with serine at codon 353 of the KANSL1 protein (p.Ala353Ser). The alanine residue is highly conserved and there is a moderate physicochemical difference between alanine and serine.

NM_015443.4(KANSL1):c.1057G>T (p.Ala353Ser)

Gene: KANSL1 (KAT8 regulatory NSL complex subunit 1). Cytogenetic location: 17q21.31.
Variant type: single nucleotide variant.
Coding change: c.1057G>T on transcript NM_015443.4 (MANE Select); coding-DNA position 1057, G replaced by T.
Protein change: p.Ala353Ser; replaces alanine 353 with serine.
Molecular consequence: missense variant.
Genome position (GRCh38, 1-based): chr17:46,171,087, C>A on the plus strand (G>T on the coding strand, the complement: KANSL1 is on the minus strand). VCF-style: chr17-46171087-C-A. GRCh37 (hg19) VCF-style: chr17-44248453-C-A.
Other names: c.1057G>T, p.Ala353Ser (NM_001193465.2, NM_001193466.2, NM_001379198.1); short protein forms A353S.
Identifiers: ClinVar variation 1020084 (VCV001020084.8), dbSNP rs1466777621, ClinGen allele CA399979464.
Genomic context (GRCh38, chr17:46,171,087, plus strand): 5'-TTTTCAGAAAGTTGCTAAGTCCCTCTGAAGTGGTGGTCTCACTGGCAGCTTTTCTCAAGG[C>A]AGCTTCAGCCTTTCGAGTCAGCATCAACTGGCTCCGTGGTCTCAAGGATTCCAAGTTTGG-3'
Protein context (NP_056258.1, residues 343-363): QLMLTRKAEA[Ala353Ser]LRKAASETTT